The following is an entry in ClinVar:

NM_003072.5(SMARCA4):c.1869G>C (p.Glu623Asp)

Gene: SMARCA4 (SWI/SNF related BAF chromatin remodeling complex subunit ATPase 4; plus strand). Cytogenetic location: 19p13.2.
Variant type: single nucleotide variant.
Coding change: c.1869G>C on transcript NM_003072.5 (MANE Select); coding-DNA position 1869, G replaced by C.
Protein change: p.Glu623Asp; replaces glutamic acid 623 with aspartic acid.
Molecular consequence: missense variant. On other transcripts: non-coding transcript variant (1).
Genome position (GRCh38, 1-based): chr19:11,003,085, G>C. VCF-style: chr19-11003085-G-C. GRCh37 (hg19) VCF-style: chr19-11113761-G-C.
Other names: c.1869G>C, p.Glu623Asp (NM_001128846.2, NM_001128847.4, NM_001128848.2 and 6 more transcripts); short protein forms E623D.
Identifiers: ClinVar variation 4888443 (VCV004888443.1).

ClinVar aggregate classification (germline): Uncertain significance (1 of 4 stars; one submission).

Conditions:
Rhabdoid tumor predisposition syndrome 2 (RTPS2). Identifiers: Orphanet 231108, Orphanet 69077, MedGen C2750074, MONDO:0013224, OMIM 613325.

Submission:

Otogenetics
Classification: Uncertain significance for Rhabdoid tumor predisposition syndrome 2. Last evaluated: 2026-07-31. Review status: criteria provided, single submitter. Criteria: ACMG Guidelines, 2015. Collection method: clinical testing. Allele origin: germline.
Comment: PM2_Supporting: Variant not observed in gnomAD (<0.05% threshold); BP4: In-silico models predict benign effect (Revel = 0.08, BayesDel = -0.55)